The following is an entry in ClinVar:

ClinVar aggregate classification (germline): Benign/Likely benign. Review status: criteria provided, multiple submitters, no conflicts (2 of 4 stars). 9 submissions from 9 submitters: Benign (1); Likely benign (5). 3 of the submissions do not count toward it. Last evaluated 2026-02-03.

Conditions:
NEBL-related disorder. Also called: NEBL-related condition.
Primary dilated cardiomyopathy (DCM). Also called: Dilated Cardiomyopathy. Identifiers: Orphanet 217604, MedGen C0007193, MeSH D002311, MONDO:0005021, HP:0001644. Inheritance: Various modes of inheritance.

Allele frequency attached by ClinVar (database versions not stated): 1000 Genomes Project 30x 0.00125; 1000 Genomes Project 0.00140; ExAC 0.00221; gnomAD 0.00231 and 0.00245; gnomAD exomes 0.00247 and 0.00374; TOPMed 0.00262; ESP Exome Variant Server 0.00315.
gnomAD v4.1: 5,918 of 1,613,332 alleles (0.37%); highest among the groups gnomAD compares: Non-Finnish European, 0.44%; 16 homozygotes.

Submissions (9):

Labcorp Genetics (formerly Invitae), Labcorp
Classification: Likely benign for Primary dilated cardiomyopathy. Last evaluated: 2026-02-03. Review status: criteria provided, single submitter. Criteria: Invitae Variant Classification Sherloc (09022015). Collection method: clinical testing. Allele origin: germline.

Women's Health and Genetics/Laboratory Corporation of America, LabCorp
Classification: Likely benign. Last evaluated: 2023-08-19. Review status: criteria provided, single submitter. Criteria: LabCorp Variant Classification Summary - May 2015. Collection method: clinical testing. Allele origin: germline.

CeGaT Center for Human Genetics Tuebingen
Classification: Benign. Last evaluated: 2022-06-01. Review status: criteria provided, single submitter. Criteria: CeGaT Center For Human Genetics Tuebingen Variant Classification Criteria Version 2. Collection method: clinical testing. Allele origin: germline. Affected: yes. Observed: 1 variant allele.
Comment: NEBL: BS1, BS2

GeneDx
Classification: Likely benign. Last evaluated: 2017-12-19. Review status: criteria provided, single submitter. Criteria: GeneDx Variant Classification (06012015). Collection method: clinical testing. Allele origin: germline. Affected: yes.
Comment: This variant is considered likely benign or benign based on one or more of the following criteria: it is a conservative change, it occurs at a poorly conserved position in the protein, it is predicted to be benign by multiple in silico algorithms, and/or has population frequency not consistent with disease.

Laboratory for Molecular Medicine, Mass General Brigham Personalized Medicine
Classification: Likely benign. Last evaluated: 2015-07-30. Review status: criteria provided, single submitter. Criteria: LMM Criteria. Collection method: clinical testing. Allele origin: germline. Observed: 11 variant alleles.
Comment: p.Ser885Phe in exon 26 of NEBL: This variant is not expected to have clinical si gnificance because it has been identified in 0.3% (226/66520) of European chromo somes by the Exome Aggregation Consortium (ExAC; dbSNP rs143584663).

Breakthrough Genomics
Classification: Likely benign. Review status: criteria provided, single submitter. Criteria: ACMG Guidelines, 2015. Collection method: not provided. Allele origin: germline. Inheritance: Unknown mechanism. Affected: yes.

PreventionGenetics, part of Exact Sciences
Classification: Likely benign for NEBL-related condition. Last evaluated: 2021-02-03. Review status: no assertion criteria provided. Collection method: clinical testing. Allele origin: germline. Not counted in ClinVar's aggregate classification.
Comment: This variant is classified as likely benign based on ACMG/AMP sequence variant interpretation guidelines (Richards et al. 2015 PMID: 25741868, with internal and published modifications).

Clinical Genetics DNA and cytogenetics Diagnostics Lab, Erasmus MC, Erasmus Medical Center
Classification: Likely benign. Review status: no assertion criteria provided. Collection method: clinical testing. Allele origin: germline. Affected: yes. Study: VKGL Data-share Consensus. Not counted in ClinVar's aggregate classification.

Genome Diagnostics Laboratory, University Medical Center Utrecht
Classification: Benign. Review status: no assertion criteria provided. Collection method: clinical testing. Allele origin: germline. Affected: yes. Study: VKGL Data-share Consensus. Not counted in ClinVar's aggregate classification.

NM_006393.3(NEBL):c.2654C>T (p.Ser885Phe)

Gene: NEBL (nebulette; minus strand). Cytogenetic location: 10p12.31.
Variant type: single nucleotide variant.
Coding change: c.2654C>T on transcript NM_006393.3 (MANE Select); coding-DNA position 2654, C replaced by T.
Protein change: p.Ser885Phe; replaces serine 885 with phenylalanine.
Molecular consequence: missense variant. On other transcripts: intron variant (9).
Genome position (GRCh38, 1-based): chr10:20,808,617, G>A on the plus strand (C>T on the coding strand, the complement: NEBL is on the minus strand). VCF-style: chr10-20808617-G-A. GRCh37 (hg19) VCF-style: chr10-21097546-G-A.
Other names: p.S885F:TCC>TTC; c.421+4152C>T (NM_001377326.1, NM_001377327.1, NM_001377328.1); c.529+4152C>T (NM_213569.2, NM_001173484.2); c.622+1189C>T (NM_001377322.1); c.472+4152C>T (NM_001377324.1); c.463+4152C>T (NM_001377325.1); c.481+4152C>T (NM_001377323.1); short protein forms S885F.
Identifiers: ClinVar variation 45496 (VCV000045496.45), dbSNP rs143584663, ClinGen allele CA136441.